The following is an entry in ClinVar:

NM_033022.4(RPS24):c.3+7C>T

Genes: RPS24 (ribosomal protein S24; plus strand), LOC130004144 (ATAC-STARR-seq lymphoblastoid active region 3613; plus strand). Cytogenetic location: 10q22.3.
Variant type: single nucleotide variant.
Coding change: c.3+7C>T on transcript NM_033022.4 (MANE Select); 7 bases into the intron after coding-DNA position 3, C replaced by T.
Molecular consequence: intron variant.
Genome position (GRCh38, 1-based): chr10:78,033,911, C>T. VCF-style: chr10-78033911-C-T. GRCh37 (hg19) VCF-style: chr10-79793669-C-T.
Other names: c.3+7C>T (NM_001142285.1, NM_001142285.2, NM_001142283.2 and 3 more transcripts).
Identifiers: ClinVar variation 696301 (VCV000696301.14), dbSNP rs759947869, ClinGen allele CA5571879.
Genomic context (GRCh38, chr10:78,033,911, plus strand): 5'-CGAATCGTGGTTCTCTTTTCCTCCTTGGCTGTCTGAAGATAGATCGCCATCATGGTGAGT[C>T]TCCCTGGGCCCGTGCAGTCATCTGCCGCGTATCCGAGCCATCCGTGGTCCCTGGGTCCCA-3'

ClinVar aggregate classification (germline): Conflicting classifications of pathogenicity. Review status: criteria provided, conflicting classifications (1 of 4 stars). 4 submissions from 4 submitters: Uncertain significance (1); Likely benign (3). Last evaluated 2025-10-13.

Conditions:
RPS24-related disorder. Also called: RPS24-related condition.
Diamond-Blackfan anemia 3 (DBA3). Also called: RPS24-Related Diamond-Blackfan Anemia. Identifiers: Orphanet 124, MedGen C1857719, MONDO:0012529, OMIM 610629.
Diamond-Blackfan anemia. Also called: Aase syndrome; Blackfan Diamond syndrome; Aregenerative anemia chronic congenital; Red cell aplasia, pure hereditary; Congenital hypoplastic anemia. Identifiers: Orphanet 124, MedGen C1260899, MeSH D029503, MONDO:0015253, HP:0004810.

Allele frequency attached by ClinVar (database versions not stated): ExAC 0.00001; gnomAD exomes 0.00001; TOPMed 0.00006.
gnomAD v4.1: 27 of 1,613,948 alleles (0.0017%); highest among the groups gnomAD compares: African/African-American, 0.024%; no homozygotes.

Submissions (4):

Labcorp Genetics (formerly Invitae), Labcorp
Classification: Likely benign for Diamond-Blackfan anemia. Last evaluated: 2025-10-13. Review status: criteria provided, single submitter. Criteria: Invitae Variant Classification Sherloc (09022015). Collection method: clinical testing. Allele origin: germline.

PreventionGenetics, part of Exact Sciences
Classification: Likely benign for RPS24-related condition. Last evaluated: 2025-03-24. Review status: criteria provided, single submitter. Criteria: ACMG Guidelines, 2015. Collection method: clinical testing. Allele origin: germline.
Comment: This variant is classified as likely benign based on ACMG/AMP sequence variant interpretation guidelines (Richards et al. 2015 PMID: 25741868, with internal and published modifications).

Blueprint Genetics
Classification: Likely benign. Last evaluated: 2023-10-02. Review status: criteria provided, single submitter. Criteria: ACMG Guidelines, 2015. Collection method: clinical testing. Allele origin: germline.

Illumina Laboratory Services, Illumina
Classification: Uncertain significance for Diamond-Blackfan anemia 3. Last evaluated: 2018-01-13. Review status: criteria provided, single submitter. Criteria: ICSL Variant Classification Criteria 13 December 2019. Collection method: clinical testing. Allele origin: germline.